The following is an entry in ClinVar:

ClinVar aggregate classification (germline): Uncertain significance (1 of 4 stars; one submission).

gnomAD v4.1: 66 of 1,612,368 alleles (0.0041%); highest among the groups gnomAD compares: African/African-American, 0.047%; no homozygotes.

Submission:

Labcorp Genetics (formerly Invitae), Labcorp
Classification: Uncertain significance. Last evaluated: 2026-01-11. Review status: criteria provided, single submitter. Criteria: Invitae Variant Classification Sherloc (09022015). Collection method: clinical testing. Allele origin: germline.
Comment: This sequence change replaces asparagine, which is neutral and polar, with serine, which is neutral and polar, at codon 342 of the ITGB3 protein (p.Asn342Ser). This variant is present in population databases (rs146336675, gnomAD 0.05%). This variant has not been reported in the literature in individuals affected with ITGB3-related conditions. ClinVar contains an entry for this variant (Variation ID: 3651470). Invitae Evidence Modeling of protein sequence and biophysical properties (such as structural, functional, and spatial information, amino acid conservation, physicochemical variation, residue mobility, and thermodynamic stability) indicates that this missense variant is not expected to disrupt ITGB3 protein function with a negative predictive value of 95%. In summary, the available evidence is currently insufficient to determine the role of this variant in disease. Therefore, it has been classified as a Variant of Uncertain Significance.

NM_000212.3(ITGB3):c.1025A>G (p.Asn342Ser)

Gene: ITGB3 (integrin subunit beta 3; plus strand). Cytogenetic location: 17q21.32.
Variant type: single nucleotide variant.
Coding change: c.1025A>G on transcript NM_000212.3 (MANE Select); coding-DNA position 1025, A replaced by G.
Protein change: p.Asn342Ser; replaces asparagine 342 with serine.
Molecular consequence: missense variant.
Genome position (GRCh38, 1-based): chr17:47,289,766, A>G. VCF-style: chr17-47289766-A-G. GRCh37 (hg19) VCF-style: chr17-45367132-A-G.
Other names: short protein forms N342S.
Identifiers: ClinVar variation 3651470 (VCV003651470.2).
Genomic context (GRCh38, chr17:47,289,766, plus strand): 5'-CTGAGAAGCTATCCCAGAAAAACATCAATTTGATCTTTGCAGTGACTGAAAATGTAGTCA[A>G]TCTCTATCAGGTGACTGTGCCTTCGGGCTTCCTGGAGTGGGCCCTGTGATGGTGGGTGCC-3'
Protein context (NP_000203.2, residues 332-352): LIFAVTENVV[Asn342Ser]LYQNYSELIP